The following continues an entry in ClinVar:

NM_005609.4(PYGM):c.148C>T (p.Arg50Ter)

Gene: PYGM. ClinVar aggregate classification (germline): Pathogenic/Likely pathogenic. Pathogenic (34); Likely pathogenic (1).

Submissions 26 to 39 of 45:

Victorian Clinical Genetics Services, Murdoch Childrens Research Institute
Classification: Pathogenic for Glycogen storage disease, type V. Last evaluated: 2020-10-19. Review status: criteria provided, single submitter. Criteria: ACMG Guidelines, 2015. Collection method: clinical testing. Allele origin: germline. Inheritance: Autosomal recessive inheritance.
Comment: Based on the classification scheme VCGS_Germline_v1.3.3, this variant is classified as Pathogenic. Following criteria are met: 0102 - Loss of function is a known mechanism of disease in this gene and is associated with McArdle disease (MIM#232600). (I) 0106 - This gene is associated with autosomal recessive disease. However, a single family has been reported for an autosomal dominant glycogen storage disorder (PMID: 32386344). (I) 0115 - Variants in this gene are known to have variable expressivity. Some affected individuals have minimal symptoms with essentially no limitations in activities of daily living. This may be attributed to variable physical activity habits (Gene Reviews). (I) 0201 - Variant is predicted to cause nonsense-mediated decay (NMD) and loss of protein (premature termination codon is located at least 54 nucleotides upstream of the final exon-exon junction). (SP) 0251 - This variant is heterozygous. (I) 0304 - Variant is present in gnomAD <0.01 for a recessive condition (v3: 253 heterozygotes, 1 homozygotes). (SP) 0701 - Other NMD-predicted variants comparable to the one identified in this case have very strong previous evidence for pathogenicity. Several NMD-predicted variants have been reported in patients with McArdle disease (MIM#232600) (ClinVar). (SP) 0801 - This variant has strong previous evidence of pathogenicity in unrelated individuals. It has been reported in several McArdle disease (MIM#232600) patients in both homozygous and compound heterozygous states (ClinVar; PMID: 29143597). (I) Legend: (SP) - Supporting pathogenic, (I) - Information, (SB) - Supporting benign

Laboratorio de Genetica e Diagnostico Molecular, Hospital Israelita Albert Einstein
Classification: Pathogenic. Last evaluated: 2020-06-24. Review status: criteria provided, single submitter. Criteria: ACMG Guidelines, 2015. Collection method: clinical testing. Allele origin: germline. Affected: yes.
Comment: ACMG classification criteria: PVS1, PS3, PS4, PM3, PP1

GeneDx
Classification: Pathogenic. Last evaluated: 2019-10-31. Review status: criteria provided, single submitter. Criteria: GeneDx Variant Classification Process June 2021. Collection method: clinical testing. Allele origin: germline. Affected: yes.
Comment: Mouse model, homozygous for R50X, found to have undetectable myophosphorylase protein and enzyme activity in skeletal muscle as well as massive muscle glycogen accumulation (Brull et al., 2015); Nonsense variant predicted to result in protein truncation or nonsense mediated decay in a gene for which loss-of-function is a known mechanism of disease; This variant is associated with the following publications: (PMID: 25873271, 31980526, 32124677, 31517061, 29961518, 30609409, 30316539, 30415384, 29382405, 22995991, 22344438, 20981092, 18667317, 10918252, 9120482, 27899787, 27300253, 26670295, 27031745, 22730558, 27030740, 22818872, 8316268, 17404776, 25741863, 26240973, 25240406, 25914343, 23653251)

Cambridge Genomics Laboratory, East Genomic Laboratory Hub, NHS Genomic Medicine Service
Classification: Pathogenic for Hereditary skeletal muscle disorder. Last evaluated: 2019-04-17. Review status: criteria provided, single submitter. Criteria: ACGS Best Practice Guidelines for Variant Classification in Rare Disease 2020. Collection method: clinical testing. Allele origin: germline. Affected: yes. Observed: 1 variant allele.

Laboratory for Molecular Medicine, Mass General Brigham Personalized Medicine
Classification: Pathogenic for Glycogen storage disease, type V. Last evaluated: 2018-06-27. Review status: criteria provided, single submitter. Criteria: LMM Criteria. Collection method: clinical testing. Allele origin: germline. Inheritance: Autosomal recessive inheritance. Observed: 2 variant alleles.
Comment: The p.Arg50X variant in PYGM is a known pathogenic variant that has been report ed in at least 50 homozygotes and 29 compound heterozygous with glycogen storage disease type V (GSDV), also known as McArdle disease, and segregated with disea se in 5 affected siblings from 4 families (Tsujino 1993, Gurgel-Giannetti 2013, deLuna 2014, and Hongrel 2015). Mouse models demonstrate that this variant cause s glycogen storage disease type V (Nogales-Gadea 2012 and Brull 2015). It has al so been reported in ClinVar (Variation ID 2298) by multiple laboratories as path ogenic and has been identified in 0.20% (318/126684) of European chromosomes by gnomAD. This frequency is low enough to be co nsistent with a recessive carrier frequency. In summary, this variant meets crit eria to be classified as pathogenic for autosomal recessive GSDV based upon case observations, segregation studies, and animal models. ACMG/AMP Criteria applied : PVS1, PM3_Very Strong, PS3, PP1_Strong.

Illumina Laboratory Services, Illumina
Classification: Pathogenic for Glycogen storage disease, type V. Last evaluated: 2017-04-27. Review status: criteria provided, single submitter. Criteria: ICSL Variant Classification Criteria 09 May 2019. Collection method: clinical testing. Allele origin: germline.
Comment: The PYGM c.148C>T (p.Arg50Ter) variant is a stop-gained variant that is predicted to result in a premature termination of the protein. The p.Arg50Ter variant is the most commonly identified variant in patients with glycogen storage disease type V, also known as McArdle disease, in the majority of populations studied (Martin et al. 2006; Nogales-Gadea et al. 2015). Across a selection of the available literature, the p.Arg50Ter variant is detected with an allele frequency ranging from 43%-78% in the respective patient cohorts (Tsujino et al. 1993; Bruno et al. 2006; Aquaron et al. 2007; Deschauer et al. 2007; Vieitez et al. 2011; Gurgel-Giannetti et al. 2013). The variant was absent from 96 healthy individuals but is reported at a frequency of 0.00314 in the European American population of the Exome Sequencing Project. A knock-in mouse model homozygous for the p.Arg50Ter variant displays a McArdle disease-like phenotype (Nogales-Gadea et al. 2012). Based on the collective evidence, the p.Arg50Ter variant is classified as pathogenic for glycogen storage disease type V. This variant was observed by ICSL as part of a predisposition screen in an ostensibly healthy population.

Center for Pediatric Genomic Medicine, Children's Mercy Hospital and Clinics
Classification: Pathogenic. Last evaluated: 2016-07-06. Review status: criteria provided, single submitter. Criteria: ACMG Guidelines, 2015. Collection method: clinical testing. Allele origin: germline.

Molecular Diagnostics Lab, Nemours Children's Health, Delaware
Classification: Pathogenic for Glycogen storage disease, type V. Last evaluated: 2016-01-12. Review status: criteria provided, single submitter. Criteria: ACMG Guidelines, 2015. Collection method: clinical testing. Allele origin: unknown. Affected: yes. Observed: 1 heterozygote, 1 homozygote.

Clinical Genetics and Genomics, Karolinska University Hospital
Classification: Pathogenic. Last evaluated: 2015-10-29. Review status: criteria provided, single submitter. Criteria: ACMG Guidelines, 2015. Collection method: clinical testing. Allele origin: germline. Affected: yes. Observed: 2 variant alleles.

Clinical Genetics Service, Universitary Hospital 12 de Octubre
Classification: Pathogenic for Glycogen storage disease, type V. Review status: criteria provided, single submitter. Criteria: ACMG Guidelines, 2015. Collection method: clinical testing. Allele origin: germline. Affected: yes.

Columbia University Laboratory of Personalized Genomic Medicine, Columbia University Medical Center
Classification: Pathogenic for Glycogen storage disease, type V. Last evaluated: 2021-10-18. Review status: no assertion criteria provided. Collection method: clinical testing. Allele origin: germline. Inheritance: Autosomal recessive inheritance. Affected: yes. Observed: 1 compound heterozygote. Not counted in ClinVar's aggregate classification.
Comment: The c.148C>T (p.Arg50Ter) variant in PYGM identified in this individual is one of the most common, well established, pathogenic variants described in PYGM (Nogales-Gadea et al., 2015). To date, this variant has eleven independent pathogenic curations in ClinVar (VarID:2298). Sequencing and RT-PCR studies have suggested that the c.148C>T variant is subject to nonsense mediated decay as mature cDNA transcript were not detected from this allele in individuals harboring these variant (Nogales-Gadea et al., 2008).

Counsyl
Classification: Pathogenic for Glycogen storage disease, type V. Last evaluated: 2016-03-08. Review status: no assertion criteria provided. Collection method: clinical testing. Allele origin: unknown. Not counted in ClinVar's aggregate classification.

OMIM
Classification: Pathogenic for MCARDLE DISEASE. Last evaluated: 2007-07-01. Review status: no assertion criteria provided. Collection method: literature only. Allele origin: germline. Not counted in ClinVar's aggregate classification.

Clinical Genetics DNA and cytogenetics Diagnostics Lab, Erasmus MC, Erasmus Medical Center
Classification: Pathogenic. Review status: no assertion criteria provided. Collection method: clinical testing. Allele origin: germline. Affected: yes. Study: VKGL Data-share Consensus. Not counted in ClinVar's aggregate classification.